The following is an entry in ClinVar:

ClinVar aggregate classification (germline): Uncertain significance (1 of 4 stars; one submission).

Conditions:
Cardiovascular phenotype. Identifiers: MedGen CN230736.

gnomAD v4.1: 3 of 1,523,840 alleles (0.0002%); highest among the groups gnomAD compares: Non-Finnish European, 0.00027%; no homozygotes.

Submission:

Ambry Genetics
Classification: Uncertain significance for Cardiovascular phenotype. Last evaluated: 2026-07-11. Review status: criteria provided, single submitter. Criteria: Ambry Variant Classification Scheme 2023. Collection method: clinical testing. Allele origin: germline.
Comment: The p.G3338R variant (also known as c.10012G>C), located in coding exon 28 of the TNXB gene, results from a G to C substitution at nucleotide position 10012. The glycine at codon 3338 is replaced by arginine, an amino acid with dissimilar properties. This amino acid position is conserved. In addition, this alteration is predicted to be tolerated by in silico analysis. Based on the available evidence, the clinical significance of this variant remains unclear.

NM_001365276.2(TNXB):c.10018G>C (p.Gly3340Arg)

Gene: TNXB (tenascin XB; minus strand). Cytogenetic location: 6p21.33.
Variant type: single nucleotide variant.
Coding change: c.10018G>C on transcript NM_001365276.2 (MANE Select); coding-DNA position 10018, G replaced by C.
Protein change: p.Gly3340Arg; replaces glycine 3340 with arginine.
Molecular consequence: missense variant.
Genome position (GRCh38, 1-based): chr6:32,048,390, C>G on the plus strand (G>C on the coding strand, the complement: TNXB is on the minus strand). VCF-style: chr6-32048390-C-G. GRCh37 (hg19) VCF-style: chr6-32016167-C-G.
Other names: c.10759G>C, p.Gly3587Arg (NM_001428335.1); c.10012G>C, p.Gly3338Arg (NM_019105.8); short protein forms G3340R, G3338R, G3587R.
Identifiers: ClinVar variation 5031020 (VCV005031020.1).